The following is an entry in ClinVar:

ClinVar aggregate classification (germline): Pathogenic. Review status: criteria provided, multiple submitters, no conflicts (2 of 4 stars). 2 submissions from 2 submitters: Pathogenic (2). Last evaluated 2026-09-08.

Conditions:
Fabry disease. Also called: GLA DEFICIENCY; Fabry's disease; ALPHA-GALACTOSIDASE A DEFICIENCY; ANDERSON-FABRY DISEASE; CERAMIDE TRIHEXOSIDASE DEFICIENCY; Ceramide trihexosidosis. Identifiers: Orphanet 324, MedGen C0002986, MONDO:0010526, OMIM 301500, HP:0001071. Disease mechanism: Fabry disease is due to inactivating mutations in the X-linked GLA gene resulting in deficiency of the enzyme Alpha Galactosidase-A., loss of function.

Submissions (2):

Genomenon, Inc
Classification: Pathogenic for Fabry disease. Last evaluated: 2026-09-08. Review status: criteria provided, single submitter. Criteria: Genomenon Sequence Variant Interpretation Standards - Updated. Collection method: curation. Allele origin: germline. Affected: yes.
Comment: GLA p.Glu341Ter (c.1021G>T) is a nonsense variant that introduces a premature stop codon at amino acid position 341 and is predicted to result in a truncated or absent protein product. This variant has been observed in at least one proband with clinical features consistent with Fabry disease (PMID:26691501). The variant was found to segregate with disease in at least one affected family (PMID:26691501). Functional or patient cell studies have been reported (PMID:26691501). It is absent or not present at a significant frequency in gnomAD. In conclusion, we classify GLA p.Glu341Ter (c.1021G>T) as a pathogenic variant.

Women's Health and Genetics/Laboratory Corporation of America, LabCorp
Classification: Pathogenic for Fabry disease. Last evaluated: 2019-10-22. Review status: criteria provided, single submitter. Criteria: LabCorp Variant Classification Summary - May 2015. Collection method: clinical testing. Allele origin: germline.
Comment: Variant summary: GLA c.1021G>T (p.Glu341X) results in a premature termination codon, predicted to cause a truncation of the encoded protein or absence of the protein due to nonsense mediated decay, which are commonly known mechanisms for disease. Truncations downstream of this position have been classified as pathogenic by our laboratory. The variant was absent in 182951 control chromosomes (gnomAD). c.1021G>T has been reported in the literature in individuals affected with Fabry Disease and found to have significantly decreased activity (Zizzo_2016). No clinical diagnostic laboratories have submitted clinical-significance assessments for this variant to ClinVar after 2014. Based on the evidence outlined above, the variant was classified as pathogenic.

Literature cited by the submitters: PubMed 26691501 (cited by Genomenon, Inc and Women's Health and Genetics/Laboratory Corporation of America, LabCorp).

NM_000169.3(GLA):c.1021G>T (p.Glu341Ter)

Genes: GLA (galactosidase alpha; minus strand), RPL36A-HNRNPH2 (RPL36A-HNRNPH2 readthrough; plus strand). Cytogenetic location: Xq22.1.
Variant type: single nucleotide variant.
Coding change: c.1021G>T on transcript NM_000169.3 (MANE Select); coding-DNA position 1021, G replaced by T.
Protein change: p.Glu341Ter; replaces glutamic acid 341 with a stop codon.
Molecular consequence: nonsense. On other transcripts: non-coding transcript variant (3), intron variant (2).
Genome position (GRCh38, 1-based): chrX:101,398,078, C>A on the plus strand (G>T on the coding strand, the complement: GLA is on the minus strand). VCF-style: chrX-101398078-C-A. GRCh37 (hg19) VCF-style: chrX-100653066-C-A.
Other names: c.1144G>T, p.Glu382Ter (NM_001406747.1); c.300+2621C>A (NM_001199973.2); c.177+6256C>A (NM_001199974.2); short protein forms E341*, E382*.
Identifiers: ClinVar variation 495689 (VCV000495689.4), dbSNP rs869312214, ClinGen allele CA413921209.